The following is an entry in ClinVar:

NM_005554.4(KRT6A):c.1418dup (p.Cys474fs)

Gene: KRT6A (keratin 6A; minus strand). Cytogenetic location: 12q13.13.
Variant type: Duplication.
Coding change: c.1418dup on transcript NM_005554.4 (MANE Select); coding-DNA position 1418, one base duplicated (A; older notation c.1418dupA).
Protein change: p.Cys474fs; shifts the reading frame from cysteine 474.
Molecular consequence: frameshift variant.
Genome position (GRCh38, 1-based): chr12:52,488,334, T duplicated on the plus strand (A on the coding strand, the reverse complement: KRT6A is on the minus strand). VCF-style (leftmost placement, unchanged base first): chr12-52488333-C-CT. GRCh37 (hg19) VCF-style: chr12-52882117-C-CT.
Other names: short protein forms C474fs.
Identifiers: ClinVar variation 2109726 (VCV002109726.4), dbSNP rs2498486538, ClinGen allele CA2580086457.

ClinVar aggregate classification (germline): Likely pathogenic (1 of 4 stars; one submission).

Submission:

Labcorp Genetics (formerly Invitae), Labcorp
Classification: Likely pathogenic. Last evaluated: 2022-04-19. Review status: criteria provided, single submitter. Criteria: Invitae Variant Classification Sherloc (09022015). Collection method: clinical testing. Allele origin: germline.
Comment: In summary, the currently available evidence indicates that the variant is pathogenic, but additional data are needed to prove that conclusively. Therefore, this variant has been classified as Likely Pathogenic. This premature translational stop signal has been observed in individual(s) with clinical features of KRT6A-related conditions (Invitae). In at least one individual the variant was observed to be de novo. Experimental studies and prediction algorithms are not available or were not evaluated, and the functional significance of this variant is currently unknown. This variant is not present in population databases (gnomAD no frequency). This sequence change creates a premature translational stop signal (p.Cys474Valfs*90) in the KRT6A gene. While this is not anticipated to result in nonsense mediated decay, it is expected to disrupt the last 91 amino acid(s) of the KRT6A protein.